The following is an entry in ClinVar:

NM_004415.4(DSP):c.5680_5683del (p.Ser1894fs)

Gene: DSP (desmoplakin; plus strand). Cytogenetic location: 6p24.3.
Variant type: Deletion.
Coding change: c.5680_5683del on transcript NM_004415.4 (MANE Select); coding-DNA positions 5680 to 5683, 4 bases deleted (AGTC; older notation c.5680_5683delAGTC).
Protein change: p.Ser1894fs; shifts the reading frame from serine 1894.
Molecular consequence: frameshift variant.
Genome position (GRCh38, 1-based): chr6:7,582,942-7,582,945, AGTC deleted; deleting any 4 consecutive bases within chr6:7,582,941-7,582,945 gives the same sequence; the c. name uses the placement nearest the transcript's 3' end. VCF-style (leftmost placement, unchanged base first): chr6-7582940-ACAGT-A. GRCh37 (hg19) VCF-style: chr6-7583173-ACAGT-A.
Other names: c.5680_5683del (LRG_423t1, NM_004415.2); c.3883_3886del, p.Ser1295fs (NM_001008844.3); c.4351_4354del, p.Ser1451fs (NM_001319034.2); c.5680_5683delAGTC (NM_004415.3); short protein forms S1451fs, S1894fs, S1295fs.
Identifiers: ClinVar variation 405232 (VCV000405232.32), dbSNP rs774763657, ClinGen allele CA045527.

ClinVar aggregate classification (germline): Pathogenic/Likely pathogenic. Review status: criteria provided, multiple submitters, no conflicts (2 of 4 stars). 11 submissions from 11 submitters: Pathogenic (6); Likely pathogenic (4). 1 of the submissions does not count toward it. Last evaluated 2026-10-19.

Conditions:
Arrhythmogenic cardiomyopathy with wooly hair and keratoderma. Also called: PALMOPLANTAR KERATODERMA WITH LEFT VENTRICULAR CARDIOMYOPATHY AND WOOLLY HAIR; Carvajal syndrome; Dilated cardiomyopathy with woolly hair and keratoderma; Arrhythmogenic cardiomyopathy with woolly hair and keratoderma. Identifiers: Orphanet 65282, MedGen C1854063, MONDO:0011581, OMIM 605676.
Arrhythmogenic right ventricular dysplasia 8 (ARVD8). Also called: Arrhythmogenic Right Ventricular Dysplasia/Cardiomyopathy 8; ARRHYTHMOGENIC RIGHT VENTRICULAR DYSPLASIA, FAMILIAL, 8; ARRHYTHMOGENIC RIGHT VENTRICULAR CARDIOMYOPATHY 8. Identifiers: MedGen C1843896, MONDO:0011831, OMIM 607450.
Lethal acantholytic epidermolysis bullosa (EBLA). Identifiers: Orphanet 158687, MedGen C1864826, MONDO:0012323, OMIM 609638.
Keratosis palmoplantaris striata 2. Also called: Keratosis palmoplantaris striata II; KERATODERMA, PALMOPLANTAR, STRIATE FORM II; STRIATE PALMOPLANTAR KERATODERMA II. Identifiers: MedGen C1852127, MONDO:0013034, OMIM 612908.
Cardiomyopathy, dilated, with wooly hair, keratoderma, and tooth agenesis. Also called: Erythrokeratodermia-cardiomyopathy syndrome; Cardiomyopathy, dilated, with woolly hair, keratoderma, and tooth agenesis. Identifiers: Orphanet 476096, Orphanet 65282, MedGen C4014393, MONDO:0014355, OMIM 615821.
Familial isolated arrhythmogenic right ventricular dysplasia. Identifiers: Orphanet 217656, MedGen C4274968, MONDO:0016342.
Cardiovascular phenotype. Identifiers: MedGen CN230736.
DSP-related disorder. Also called: DSP-related condition; DSP-related disorders.
Cardiomyopathy (CMYO). Also called: Cardiomyopathies. Identifiers: Orphanet 167848, MedGen C0878544, MONDO:0004994, HP:0001638. Inheritance: Various modes of inheritance.

Submissions 1 to 8 of 11:

GeneDx
Classification: Pathogenic. Last evaluated: 2026-10-19. Review status: criteria provided, single submitter. Criteria: GeneDx Variant Classification Process June 2021. Collection method: clinical testing. Allele origin: germline.
Comment: Not observed at significant frequency in large population cohorts (gnomAD); Frameshift variant predicted to result in protein truncation in a gene for which loss of function is a known mechanism of disease; This variant is associated with the following publications: (PMID: 11063735, 31402444, 38510230, 39523938)

Labcorp Genetics (formerly Invitae), Labcorp
Classification: Pathogenic for Arrhythmogenic cardiomyopathy with wooly hair and keratoderma; Arrhythmogenic right ventricular dysplasia 8. Last evaluated: 2025-11-24. Review status: criteria provided, single submitter. Criteria: Invitae Variant Classification Sherloc (09022015). Collection method: clinical testing. Allele origin: germline.
Comment: This sequence change creates a premature translational stop signal (p.Ser1894Leufs*34) in the DSP gene. While this is not anticipated to result in nonsense mediated decay, it is expected to disrupt the last 978 amino acid(s) of the DSP protein. This variant is present in population databases (rs774763657, gnomAD 0.009%). This variant has not been reported in the literature in individuals affected with DSP-related conditions. ClinVar contains an entry for this variant (Variation ID: 405232). This variant disrupts a region of the DSP protein in which other variant(s) (p.Thr2634Lysfs*4) have been determined to be pathogenic (PMID: 11063735). This suggests that this is a clinically significant region of the protein, and that variants that disrupt it are likely to be disease-causing. For these reasons, this variant has been classified as Pathogenic.

Blueprint Genetics
Classification: Likely pathogenic for DSP-related disorders. Last evaluated: 2024-11-06. Review status: criteria provided, single submitter. Criteria: ACMG Guidelines, 2015. Collection method: clinical testing. Allele origin: germline. Affected: yes. Observed: 1 variant allele.

CHEO Genetics Diagnostic Laboratory, Children's Hospital of Eastern Ontario
Classification: Likely pathogenic for Cardiomyopathy. Last evaluated: 2024-09-18. Review status: criteria provided, single submitter. Criteria: ACMG Guidelines, 2015. Collection method: clinical testing. Allele origin: germline. Inheritance: Autosomal dominant inheritance.
Comment: The c.5680_5683del variant in DSP is predicted to cause a frameshift resulting in a premature stop codon at position 1927, leading to a truncated or absent protein. Heterozygous loss-of-function variants in the DSP gene is a well-established mechanism of disease for dilated cardiomyopathy (PMID 23137101, 27532257, 32046637, 32808748, and others) with a very strong level of evidence (PMID 30192042). It has a Grpmax Filtering Allele Frequency of 0.002% in control populations in the Genome Aggregation Database (gnomAD), and is neither sufficiently rare to provide evidence in favor of pathogenicity nor sufficiently common to provide evidence against pathogenicity. It has been previously reported in at least 2 apparently unrelated individuals with dilated cardiomyopathy and/or arrhythmogenic cardiomyopathy (PMID 38510230, CHEO internal data). This variant is listed in ClinVar (VCV000405232). The current evidence suggests that in addition to autosomal dominant inheritance, some variants in DSP can cause autosomal recessive cardiomyopathy (PMID 20301310, 31983221). Based on the above information, we categorize this variant as likely pathogenic.

Color Diagnostics, LLC DBA Color Health
Classification: Pathogenic for Cardiomyopathy. Last evaluated: 2024-08-05. Review status: criteria provided, single submitter. Criteria: ACMG Guidelines, 2015. Collection method: clinical testing. Allele origin: germline.
Comment: This variant deletes 4 nucleotides in exon 24 of the DSP gene, creating a frameshift and premature translation stop signal in the last exon. The mutant transcript is expected to escape nonsense-mediated decay and be expressed as a protein product containing an altered C-terminal sequence. Although functional studies have not been reported, this variant is expected to disrupt the plakin repeat domains and downstream C-terminal sequence, which have been reported to be essential for interaction with intermediate filaments (PMID: 12101406, 12802069, 21756917). In addition, truncating variants occurring downstream of this variant are known to be disease-causing (for example, ClinVar variation ID: 199903, 222582). To our knowledge, this variant has not been reported in individuals affected with cardiovascular disorders in the literature. This variant has been identified in 3/251232 chromosomes in the general population by the Genome Aggregation Database (gnomAD). Loss of DSP function is a known mechanism of disease. Based on the available evidence, this variant is classified as Pathogenic.

Fulgent Genetics
Classification: Pathogenic for Arrhythmogenic cardiomyopathy with wooly hair and keratoderma; Arrhythmogenic right ventricular dysplasia 8; Lethal acantholytic epidermolysis bullosa; Keratosis palmoplantaris striata 2; Cardiomyopathy, dilated, with wooly hair, keratoderma, and tooth agenesis. Last evaluated: 2024-05-29. Review status: criteria provided, single submitter. Criteria: ACMG Guidelines, 2015. Collection method: clinical testing. Allele origin: germline.

Ambry Genetics
Classification: Pathogenic for Cardiovascular phenotype. Last evaluated: 2024-05-16. Review status: criteria provided, single submitter. Criteria: Ambry Variant Classification Scheme 2023. Collection method: clinical testing. Allele origin: germline.
Comment: The c.5680_5683delAGTC pathogenic mutation, located in coding exon 24 of the DSP gene, results from a deletion of 4 nucleotides at nucleotide positions 5680 to 5683, causing a translational frameshift with a predicted alternate stop codon (p.S1894Lfs*34). Alterations in DSP that result in haploinsufficiency or protein truncation have been reported in patients with arrhythmogenic right ventricular cardiomyopathy (ARVC) and dilated cardiomyopathy (DCM) (Fressart V et al. Europace. 2010;12(6):861-8; Elliott P et al. Circ Cardiovasc Genet. 2010;3(4):314-22; Quarta G et al. Circulation. 2011;123(23):2701-9; Garcia-Pavia P et al. Heart. 2011;97(21):1744-52; Rasmussen TB et al. Clin Genet. 2013;84(1):20-30; Pugh TJ et al. Genet Med. 2014;16(8):601-8). This alteration is expected to result in loss of function by premature protein truncation or nonsense-mediated mRNA decay. As such, this alteration is interpreted as a disease-causing mutation.

All of Us Research Program, National Institutes of Health
Classification: Likely pathogenic for Arrhythmogenic cardiomyopathy with wooly hair and keratoderma. Last evaluated: 2024-01-08. Review status: criteria provided, single submitter. Criteria: ACMG Guidelines, 2015. Collection method: clinical testing. Allele origin: germline. Inheritance: Autosomal dominant inheritance. Observed: 1 variant allele, 1 heterozygote.
Comment: This variant deletes 4 nucleotides in exon 24 of the DSP gene, creating a frameshift and premature translation stop signal in the last exon. The mutant transcript is expected to escape nonsense-mediated decay and be expressed as a protein product containing an altered C-terminal sequence. Although functional studies have not been reported, this variant is expected to disrupt the plakin repeat domains and downstream C-terminal sequence, which have been reported to be essential for interaction with intermediate filaments (PMID: 12101406, 12802069, 21756917). In addition, truncating variants occurring downstream of this variant are known to be disease-causing (for example, ClinVar variation ID: 199903, 222582). To our knowledge, this variant has not been reported in individuals affected with cardiovascular disorders in the literature. This variant has been identified in 3/251232 chromosomes in the general population by the Genome Aggregation Database (gnomAD). Loss of DSP function is a known mechanism of disease. Based on the available evidence, this variant is classified as Likely Pathogenic.

This study involves interpretation of variants in research participants for the purpose of population health screening. Participant phenotype was not available at the time of variant classification. Additional details can be found in publication PMID: 35346344, PMCID: PMC8962531